The following is an entry in ClinVar:

NM_001372080.1(ZSCAN29):c.2427T>C (p.His809=)

Gene: ZSCAN29 (zinc finger and SCAN domain containing 29; minus strand). Cytogenetic location: 15q15.3.
Variant type: single nucleotide variant.
Coding change: c.2427T>C on transcript NM_001372080.1 (MANE Select); coding-DNA position 2427, T replaced by C.
Protein change: p.His809=; no amino-acid change (histidine 809 retained).
Molecular consequence: synonymous variant.
Genome position (GRCh38, 1-based): chr15:43,361,205, A>G on the plus strand (T>C on the coding strand, the complement: ZSCAN29 is on the minus strand). VCF-style: chr15-43361205-A-G. GRCh37 (hg19) VCF-style: chr15-43653403-A-G.
Other names: c.2427T>C, p.His809= (NM_152455.4).
Identifiers: ClinVar variation 3039844 (VCV003039844.2), dbSNP rs142215462, ClinGen allele CA7523082.

ClinVar aggregate classification (germline): Likely benign (0 of 4 stars; one submission).

Conditions:
ZSCAN29-related disorder. Also called: ZSCAN29-related condition.

Allele frequency attached by ClinVar (database versions not stated): ExAC 0.00005; gnomAD exomes 0.00007; TOPMed 0.00011; gnomAD 0.00012; ESP Exome Variant Server 0.00015.
gnomAD v4.1: 118 of 1,611,978 alleles (0.0073%); highest among the groups gnomAD compares: Non-Finnish European, 0.0096%; no homozygotes.

Submission:

PreventionGenetics, part of Exact Sciences
Classification: Likely benign for ZSCAN29-related condition. Last evaluated: 2019-09-25. Review status: no assertion criteria provided. Collection method: clinical testing. Allele origin: germline.
Comment: This variant is classified as likely benign based on ACMG/AMP sequence variant interpretation guidelines (Richards et al. 2015 PMID: 25741868, with internal and published modifications).